The following is an entry in ClinVar:

NM_000361.3(THBD):c.1049A>C (p.His350Pro)

Gene: THBD (thrombomodulin; minus strand). Cytogenetic location: 20p11.21.
Variant type: single nucleotide variant.
Coding change: c.1049A>C on transcript NM_000361.3 (MANE Select); coding-DNA position 1049, A replaced by C.
Protein change: p.His350Pro; replaces histidine 350 with proline.
Molecular consequence: missense variant.
Genome position (GRCh38, 1-based): chr20:23,048,456, T>G on the plus strand (A>C on the coding strand, the complement: THBD is on the minus strand). VCF-style: chr20-23048456-T-G. GRCh37 (hg19) VCF-style: chr20-23029093-T-G.
Other names: short protein forms H350P.
Identifiers: ClinVar variation 2771402 (VCV002771402.3), dbSNP rs2515203997, ClinGen allele CA408406384.
Genomic context (GRCh38, chr20:23,048,456, plus strand): 5'-AAGCACGGGTCCACGGGCTCCACACACTCGCCGTCCACCAGGTCGTAGTTAGGGTAGCAG[T>G]GGCACTCGAAGCCACCCTGTGTGTTGACACAGCGCTGCGGACACGGACTGGGCTCCAGTA-3'
Protein context (NP_000352.1, residues 340-360): CVNTQGGFEC[His350Pro]CYPNYDLVDG

ClinVar aggregate classification (germline): Uncertain significance (1 of 4 stars; one submission).

Submission:

Labcorp Genetics (formerly Invitae), Labcorp
Classification: Uncertain significance. Last evaluated: 2023-10-23. Review status: criteria provided, single submitter. Criteria: Invitae Variant Classification Sherloc (09022015). Collection method: clinical testing. Allele origin: germline.
Comment: This sequence change replaces histidine, which is basic and polar, with proline, which is neutral and non-polar, at codon 350 of the THBD protein (p.His350Pro). This variant is not present in population databases (gnomAD no frequency). This variant has not been reported in the literature in individuals affected with THBD-related conditions. Advanced modeling of protein sequence and biophysical properties (such as structural, functional, and spatial information, amino acid conservation, physicochemical variation, residue mobility, and thermodynamic stability) performed at Invitae indicates that this missense variant is not expected to disrupt THBD protein function with a negative predictive value of 80%. In summary, the available evidence is currently insufficient to determine the role of this variant in disease. Therefore, it has been classified as a Variant of Uncertain Significance.